The following is an entry in ClinVar:

ClinVar aggregate classification (germline): Pathogenic (1 of 4 stars; one submission).

Conditions:
Familial adenomatous polyposis 1 (FAP1). Also called: FAMILIAL ADENOMATOUS POLYPOSIS 1, ATTENUATED; POLYPOSIS, ADENOMATOUS INTESTINAL. Identifiers: MedGen C2713442, MONDO:0021056, OMIM 175100. Disease mechanism: loss of function.

Submission:

Labcorp Genetics (formerly Invitae), Labcorp
Classification: Pathogenic for Familial adenomatous polyposis 1. Last evaluated: 2021-10-30. Review status: criteria provided, single submitter. Criteria: Invitae Variant Classification Sherloc (09022015). Collection method: clinical testing. Allele origin: germline.
Comment: This sequence change creates a premature translational stop signal (p.Ser2307*) in the APC gene. While this is not anticipated to result in nonsense mediated decay, it is expected to disrupt the last 537 amino acid(s) of the APC protein. This variant is not present in population databases (gnomAD no frequency). This variant has not been reported in the literature in individuals affected with APC-related conditions. A different truncation (p.Tyr2645Lysfs*14) that lies downstream of this variant has been determined to be pathogenic (PMID: 9824584, 1316610, 27081525, 8381579, 22135120, Invitae). This suggests that deletion of this region of the APC protein is causative of disease. For these reasons, this variant has been classified as Pathogenic. This variant is expected to disrupt the EB1 and HDLG binding sites, which mediate interactions with the cytoskeleton (PMID: 15311282, 17293347). While functional studies have not been performed to directly test the effect on APC protein function, this suggests that disruption of the C-terminal portion of the protein is functionally important.

Literature cited by the submitters: PubMed 9824584; PubMed 1316610; PubMed 27081525; PubMed 8381579; PubMed 22135120; PubMed 15311282; PubMed 17293347.

NM_000038.6(APC):c.6920C>A (p.Ser2307Ter)

Gene: APC (APC regulator of Wnt signaling pathway; plus strand). Cytogenetic location: 5q22.2.
Variant type: single nucleotide variant.
Coding change: c.6920C>A on transcript NM_000038.6 (MANE Select); coding-DNA position 6920, C replaced by A.
Protein change: p.Ser2307Ter; replaces serine 2307 with a stop codon.
Molecular consequence: nonsense.
Genome position (GRCh38, 1-based): chr5:112,842,514, C>A. VCF-style: chr5-112842514-C-A. GRCh37 (hg19) VCF-style: chr5-112178211-C-A.
Other names: c.6920C>A, p.Ser2307Ter (NM_001127510.3, NM_001354895.2); c.6866C>A, p.Ser2289Ter (NM_001127511.3); c.6974C>A, p.Ser2325Ter (NM_001354896.2); c.6950C>A, p.Ser2317Ter (NM_001354897.2); c.6845C>A, p.Ser2282Ter (NM_001354898.2); c.6836C>A, p.Ser2279Ter (NM_001354899.2); c.6797C>A, p.Ser2266Ter (NM_001354900.2); c.6743C>A, p.Ser2248Ter (NM_001354901.2); and 5 more; short protein forms S2024*, S2147*, S2317*, S2289*, S2325*, S2206*, S2216*, S2266*.
Identifiers: ClinVar variation 1355519 (VCV001355519.6), dbSNP rs901983934, ClinGen allele CA16036427.